The following is an entry in ClinVar:

NM_213720.3(CHCHD10):c.382G>T (p.Ala128Ser)

Gene: CHCHD10 (coiled-coil-helix-coiled-coil-helix domain containing 10; minus strand). Cytogenetic location: 22q11.23.
Variant type: single nucleotide variant.
Coding change: c.382G>T on transcript NM_213720.3 (MANE Select); coding-DNA position 382, G replaced by T.
Protein change: p.Ala128Ser; replaces alanine 128 with serine.
Molecular consequence: missense variant. On other transcripts: non-coding transcript variant (2).
Genome position (GRCh38, 1-based): chr22:23,766,155, C>A on the plus strand (G>T on the coding strand, the complement: CHCHD10 is on the minus strand). VCF-style: chr22-23766155-C-A. GRCh37 (hg19) VCF-style: chr22-24108342-C-A.
Other names: c.403G>T, p.Ala135Ser (NM_001301339.2); short protein forms A128S, A135S.
Identifiers: ClinVar variation 836327 (VCV000836327.7), dbSNP rs371437007, ClinGen allele CA10145249.

ClinVar aggregate classification (germline): Uncertain significance (1 of 4 stars; one submission).

Conditions:
Frontotemporal dementia and/or amyotrophic lateral sclerosis 2. Also called: FTDALS2. Identifiers: Orphanet 275872, MedGen C4014648, MONDO:0014395, OMIM 615911.
Autosomal dominant mitochondrial myopathy with exercise intolerance (IMMD). Also called: Myopathy, isolated mitochondrial, autosomal dominant. Identifiers: Orphanet 457050, MedGen C4015513, MONDO:0014532, OMIM 616209.
Lower motor neuron syndrome with late-adult onset (SMAJ). Also called: Spinal muscular atrophy, Jokela type; Late-Onset Spinal Motor Neuronopathy (SMAJ). Identifiers: Orphanet 276435, MedGen C3554398, MONDO:0014025, OMIM 615048.

Allele frequency attached by ClinVar (database versions not stated): gnomAD exomes 0.00003 and 0.00001; ESP Exome Variant Server 0.00008; TOPMed 0.00009; gnomAD 0.00003 and 0.00004; ExAC 0.00004.
gnomAD v4.1: 23 of 1,613,484 alleles (0.0014%); highest among the groups gnomAD compares: African/African-American, 0.021%; no homozygotes.

Submission:

Labcorp Genetics (formerly Invitae), Labcorp
Classification: Uncertain significance for Lower motor neuron syndrome with late-adult onset; Frontotemporal dementia and/or amyotrophic lateral sclerosis 2; Autosomal dominant mitochondrial myopathy with exercise intolerance. Last evaluated: 2025-01-13. Review status: criteria provided, single submitter. Criteria: Invitae Variant Classification Sherloc (09022015). Collection method: clinical testing. Allele origin: germline.
Comment: This sequence change replaces alanine, which is neutral and non-polar, with serine, which is neutral and polar, at codon 128 of the CHCHD10 protein (p.Ala128Ser). This variant is present in population databases (rs371437007, gnomAD 0.03%). This variant has not been reported in the literature in individuals affected with CHCHD10-related conditions. ClinVar contains an entry for this variant (Variation ID: 836327). An algorithm developed to predict the effect of missense changes on protein structure and function (PolyPhen-2) suggests that this variant is likely to be disruptive. In summary, the available evidence is currently insufficient to determine the role of this variant in disease. Therefore, it has been classified as a Variant of Uncertain Significance.